The following is an entry in ClinVar:

NM_000081.4(LYST):c.8682del (p.Ser2895fs)

Gene: LYST (lysosomal trafficking regulator; minus strand). Cytogenetic location: 1q42.3.
Variant type: Deletion.
Coding change: c.8682del on transcript NM_000081.4 (MANE Select); coding-DNA position 8682, one base deleted (G; older notation c.8682delG).
Protein change: p.Ser2895fs; shifts the reading frame from serine 2895.
Molecular consequence: frameshift variant.
Genome position (GRCh38, 1-based): chr1:235,733,622, C deleted on the plus strand (G on the coding strand, the reverse complement: LYST is on the minus strand). VCF-style (leftmost placement, unchanged base first): chr1-235733621-AC-A. GRCh37 (hg19) VCF-style: chr1-235896921-AC-A.
Other names: c.8682del, p.Ser2895fs (NM_001301365.1); short protein forms S2895fs.
Identifiers: ClinVar variation 3626735 (VCV003626735.2).
Genomic context (GRCh38, chr1:235,733,621, plus strand): 5'-CTTTATACATTCCTCTAATATGCTGGATCACCTTTTTTCTCTCATTTCCTTGGGAGAGAG[AC>A]ACTGCCTGGGTGATATCTGCAGCTATTTTAGATATATCCTTTGATTTTGAATCCAGACGC-3'

ClinVar aggregate classification (germline): Pathogenic (1 of 4 stars; one submission).

Conditions:
Chédiak-Higashi syndrome (CHS). Also called: Chediak-Higashi Syndrome. Identifiers: Orphanet 167, MedGen C0007965, MONDO:0008963, OMIM 214500.

Submission:

Labcorp Genetics (formerly Invitae), Labcorp
Classification: Pathogenic for Chédiak-Higashi syndrome. Last evaluated: 2024-02-08. Review status: criteria provided, single submitter. Criteria: Invitae Variant Classification Sherloc (09022015). Collection method: clinical testing. Allele origin: germline.
Comment: This sequence change creates a premature translational stop signal (p.Ser2895Leufs*11) in the LYST gene. It is expected to result in an absent or disrupted protein product. Loss-of-function variants in LYST are known to be pathogenic (PMID: 9215679, 11857544). This variant is not present in population databases (gnomAD no frequency). This variant has not been reported in the literature in individuals affected with LYST-related conditions. For these reasons, this variant has been classified as Pathogenic.

Literature cited by the submitters: PubMed 9215679; PubMed 11857544.